The following is an entry in ClinVar:

ClinVar aggregate classification (germline): Uncertain significance (1 of 4 stars; one submission).

Conditions:
Inborn genetic diseases. Identifiers: MedGen C0950123, MeSH D030342.

Submission:

Ambry Genetics
Classification: Uncertain significance for Inborn genetic diseases. Last evaluated: 2026-05-05. Review status: criteria provided, single submitter. Criteria: Ambry Variant Classification Scheme 2023. Collection method: clinical testing. Allele origin: germline.
Comment: The c.1795C>A (p.P599T) alteration is located in exon 15 (coding exon 14) of the SLC12A1 gene. This alteration results from a C to A substitution at nucleotide position 1795, causing the proline (P) at amino acid position 599 to be replaced by a threonine (T). Based on data from gnomAD, the A allele has an overall frequency of <0.001% (1/251076) total alleles studied. The highest observed frequency was 0.006% (1/16250) of African alleles. Based on insufficient or conflicting evidence, the clinical significance of this alteration remains unclear.

NM_000338.3(SLC12A1):c.1795C>A (p.Pro599Thr)

Genes: SLC12A1 (solute carrier family 12 member 1; plus strand), LOC126862123 (CDK7 strongly-dependent group 2 enhancer GRCh37_chr15:48543423-48544622; plus strand). Cytogenetic location: 15q21.1.
Variant type: single nucleotide variant.
Coding change: c.1795C>A on transcript NM_000338.3 (MANE Select); coding-DNA position 1795, C replaced by A.
Protein change: p.Pro599Thr; replaces proline 599 with threonine.
Molecular consequence: missense variant.
Genome position (GRCh38, 1-based): chr15:48,251,623, C>A. VCF-style: chr15-48251623-C-A. GRCh37 (hg19) VCF-style: chr15-48543820-C-A.
Other names: c.1795C>A, p.Pro599Thr (NM_001184832.2, NM_001384136.1); short protein forms P599T.
Identifiers: ClinVar variation 4864547 (VCV004864547.1).